The following is an entry in ClinVar:

NM_025074.7(FRAS1):c.2515G>A (p.Gly839Arg)

Gene: FRAS1 (Fraser extracellular matrix complex subunit 1; plus strand). Cytogenetic location: 4q21.21.
Variant type: single nucleotide variant.
Coding change: c.2515G>A on transcript NM_025074.7 (MANE Select); coding-DNA position 2515, G replaced by A.
Protein change: p.Gly839Arg; replaces glycine 839 with arginine.
Molecular consequence: missense variant.
Genome position (GRCh38, 1-based): chr4:78,363,605, G>A. VCF-style: chr4-78363605-G-A. GRCh37 (hg19) VCF-style: chr4-79284759-G-A.
Other names: c.2515G>A, p.Gly839Arg (NM_001166133.2); c.2515G>A (NM_025074.6); short protein forms G839R.
Identifiers: ClinVar variation 1486899 (VCV001486899.9), dbSNP rs199918192, ClinGen allele CA2976666.
Genomic context (GRCh38, chr4:78,363,605, plus strand): 5'-GATCTCCACAACACTGGGAGCATCTGCCTCAGGTGCCAGAATGCCCACTACCTGCTGCTC[G>A]GGGACCACTGTGTTCCTGACTGCCCTTCAGGATACTATGCAGAGAGAGGAGCTTGTAAAA-3'
Protein context (NP_079350.5, residues 829-849): RCQNAHYLLL[Gly839Arg]DHCVPDCPSG

ClinVar aggregate classification (germline): Uncertain significance. Review status: criteria provided, multiple submitters, no conflicts (2 of 4 stars). 3 submissions from 3 submitters: Uncertain significance (3). Last evaluated 2025-11-03.

Conditions:
Inborn genetic diseases. Identifiers: MedGen C0950123, MeSH D030342.
Fraser syndrome 1 (FRASRS1). Also called: CRYPTOPHTHALMOS WITH OTHER MALFORMATIONS. Identifiers: Orphanet 2052, MedGen C4551480, MONDO:0054737, OMIM 219000.

Allele frequency attached by ClinVar (database versions not stated): gnomAD exomes 0.00006; ExAC 0.00009; ESP Exome Variant Server 0.00016; TOPMed 0.00016.
gnomAD v4.1: 43 of 1,607,864 alleles (0.0027%); highest among the groups gnomAD compares: African/African-American, 0.033%; no homozygotes.

Submissions (3):

Labcorp Genetics (formerly Invitae), Labcorp
Classification: Uncertain significance. Last evaluated: 2025-11-03. Review status: criteria provided, single submitter. Criteria: Invitae Variant Classification Sherloc (09022015). Collection method: clinical testing. Allele origin: germline.
Comment: This sequence change replaces glycine, which is neutral and non-polar, with arginine, which is basic and polar, at codon 839 of the FRAS1 protein (p.Gly839Arg). This variant is present in population databases (rs199918192, gnomAD 0.06%). This variant has not been reported in the literature in individuals affected with FRAS1-related conditions. ClinVar contains an entry for this variant (Variation ID: 1486899). An algorithm developed to predict the effect of missense changes on protein structure and function (PolyPhen-2) suggests that this variant is likely to be tolerated. In summary, the available evidence is currently insufficient to determine the role of this variant in disease. Therefore, it has been classified as a Variant of Uncertain Significance.

Ambry Genetics
Classification: Uncertain significance for Inborn genetic diseases. Last evaluated: 2024-11-25. Review status: criteria provided, single submitter. Criteria: Ambry Variant Classification Scheme 2023. Collection method: clinical testing. Allele origin: germline.

Fulgent Genetics
Classification: Uncertain significance for Fraser syndrome 1. Last evaluated: 2024-04-25. Review status: criteria provided, single submitter. Criteria: ACMG Guidelines, 2015. Collection method: clinical testing. Allele origin: germline.